The following is an entry in ClinVar:

ClinVar aggregate classification (germline): Uncertain significance. Review status: criteria provided, multiple submitters, no conflicts (2 of 4 stars). 3 submissions from 3 submitters: Uncertain significance (3). Last evaluated 2025-06-15.

Conditions:
Aldosterone-producing adenoma with seizures and neurological abnormalities. Also called: Primary aldosteronism, seizures, and neurologic abnormalities. Identifiers: Orphanet 369929, MedGen C3809609, MONDO:0014200, OMIM 615474.

gnomAD v4.1: 1 of 1,614,110 alleles (0.000062%); highest among the groups gnomAD compares: Non-Finnish European, 0.000085%; no homozygotes.

Submissions (3):

Labcorp Genetics (formerly Invitae), Labcorp
Classification: Uncertain significance. Last evaluated: 2025-06-15. Review status: criteria provided, single submitter. Criteria: Invitae Variant Classification Sherloc (09022015). Collection method: clinical testing. Allele origin: germline.
Comment: This sequence change replaces isoleucine, which is neutral and non-polar, with valine, which is neutral and non-polar, at codon 2116 of the CACNA1D protein (p.Ile2116Val). This variant is not present in population databases (gnomAD no frequency). This variant has not been reported in the literature in individuals affected with CACNA1D-related conditions. ClinVar contains an entry for this variant (Variation ID: 2581042). An algorithm developed to predict the effect of missense changes on protein structure and function (PolyPhen-2) suggests that this variant is likely to be disruptive. In summary, the available evidence is currently insufficient to determine the role of this variant in disease. Therefore, it has been classified as a Variant of Uncertain Significance.

GeneDx
Classification: Uncertain significance. Last evaluated: 2023-05-31. Review status: criteria provided, single submitter. Criteria: GeneDx Variant Classification Process June 2021. Collection method: clinical testing. Allele origin: germline. Affected: yes.
Comment: Not observed at significant frequency in large population cohorts (gnomAD); In silico analysis supports that this missense variant does not alter protein structure/function; Has not been previously published as pathogenic or benign to our knowledge

Dr. med. U. Finckh, Human Genetics, Eurofins MVZ
Classification: Uncertain significance for Aldosterone-producing adenoma with seizures and neurological abnormalities. Last evaluated: 2022-04-12. Review status: criteria provided, single submitter. Criteria: ACMG Guidelines, 2015. Collection method: clinical testing. Allele origin: unknown. Observed: 1 heterozygote.

NM_001128840.3(CACNA1D):c.6286A>G (p.Ile2096Val)

Gene: CACNA1D (calcium voltage-gated channel subunit alpha1 D; plus strand). Cytogenetic location: 3p21.1.
Variant type: single nucleotide variant.
Coding change: c.6286A>G on transcript NM_001128840.3 (MANE Select); coding-DNA position 6286, A replaced by G.
Protein change: p.Ile2096Val; replaces isoleucine 2096 with valine.
Molecular consequence: missense variant.
Genome position (GRCh38, 1-based): chr3:53,811,206, A>G. VCF-style: chr3-53811206-A-G. GRCh37 (hg19) VCF-style: chr3-53845233-A-G.
Other names: c.6346A>G, p.Ile2116Val (NM_000720.4); c.6214A>G, p.Ile2072Val (NM_001128839.3); c.6346A>G (NM_000720.2); short protein forms I2072V, I2096V, I2116V.
Identifiers: ClinVar variation 2581042 (VCV002581042.3), dbSNP rs200161467, ClinGen allele CA353259167.